The following is an entry in ClinVar:

ClinVar aggregate classification (germline): Uncertain significance (1 of 4 stars; one submission).

Conditions:
Arrhythmogenic cardiomyopathy with wooly hair and keratoderma. Also called: Carvajal syndrome; PALMOPLANTAR KERATODERMA WITH LEFT VENTRICULAR CARDIOMYOPATHY AND WOOLLY HAIR; Dilated cardiomyopathy with woolly hair and keratoderma; Arrhythmogenic cardiomyopathy with woolly hair and keratoderma. Identifiers: Orphanet 65282, MedGen C1854063, MONDO:0011581, OMIM 605676.

Submission:

All of Us Research Program, National Institutes of Health
Classification: Uncertain significance for Arrhythmogenic cardiomyopathy with wooly hair and keratoderma. Last evaluated: 2023-04-03. Review status: criteria provided, single submitter. Criteria: ACMG Guidelines, 2015. Collection method: clinical testing. Allele origin: germline. Inheritance: Autosomal dominant inheritance. Observed: 1 variant allele, 1 heterozygote.
Comment: This missense variant replaces glutamine with leucine at codon 1365 of the DSP protein. Computational prediction suggests that this variant may not impact protein structure and function (internally defined REVEL score threshold <= 0.5, PMID: 27666373). To our knowledge, functional studies have not been reported for this variant. This variant has not been reported in individuals affected with DSP-related disorders in the literature. This variant has not been identified in the general population by the Genome Aggregation Database (gnomAD). The available evidence is insufficient to determine the role of this variant in disease conclusively. Therefore, this variant is classified as a Variant of Uncertain Significance.

This study involves interpretation of variants in research participants for the purpose of population health screening. Participant phenotype was not available at the time of variant classification. Additional details can be found in publication PMID: 35346344, PMCID: PMC8962531

NM_004415.4(DSP):c.4094A>T (p.Gln1365Leu)

Gene: DSP (desmoplakin; plus strand). Cytogenetic location: 6p24.3.
Variant type: single nucleotide variant.
Coding change: c.4094A>T on transcript NM_004415.4 (MANE Select); coding-DNA position 4094, A replaced by T.
Protein change: p.Gln1365Leu; replaces glutamine 1365 with leucine.
Molecular consequence: missense variant. On other transcripts: intron variant (2).
Genome position (GRCh38, 1-based): chr6:7,580,284, A>T. VCF-style: chr6-7580284-A-T. GRCh37 (hg19) VCF-style: chr6-7580517-A-T.
Other names: c.4050+44A>T (NM_001319034.2); c.3582+512A>T (NM_001008844.3); short protein forms Q1365L.
Identifiers: ClinVar variation 3070059 (VCV003070059.1), dbSNP rs2533927407, ClinGen allele CA362685544.
Genomic context (GRCh38, chr6:7,580,284, plus strand): 5'-AAAATGAACTGAGTAAGGTAAGAAACAATTATGATGAGGAGATCATTAGCTTAAAAAATC[A>T]GTTTGAGACCGAGATCAACATCACCAAGACCACCATCCACCAGCTCACCATGCAGAAGGA-3'
Protein context (NP_004406.2, residues 1355-1375): YDEEIISLKN[Gln1365Leu]FETEINITKT